The following is an entry in ClinVar:

ClinVar aggregate classification (germline): Pathogenic/Likely pathogenic. Review status: criteria provided, multiple submitters, no conflicts (2 of 4 stars). 4 submissions from 4 submitters: Pathogenic (1); Likely pathogenic (3). Last evaluated 2024-06-28.

Conditions:
Galactosylceramide beta-galactosidase deficiency. Also called: Leukodystrophy, Globoid Cell; Krabbe Disease; GALACTOCEREBROSIDASE DEFICIENCY; GALC DEFICIENCY; GLOBOID CELL LEUKOENCEPHALOPATHY. Identifiers: Orphanet 487, MedGen C0023521, MONDO:0009499, OMIM 245200.

Allele frequency attached by ClinVar (database versions not stated): gnomAD exomes below 0.00001; gnomAD 0.00001.
gnomAD v4.1: 3 of 1,609,690 alleles (0.00019%); highest among the groups gnomAD compares: Admixed American, 0.0033%; no homozygotes.

Submissions (4):

Natera, Inc.
Classification: Likely pathogenic for Galactosylceramide beta-galactosidase deficiency. Last evaluated: 2024-06-28. Review status: criteria provided, single submitter. Criteria: Natera Variant Classification Schema (03/2026). Collection method: clinical testing. Allele origin: germline.
Comment: The c.622-1G>T variant in GALC is a canonical splice acceptor site variant predicted to affect pre-mRNA splicing, which may result in an abnormal transcript and altered protein product. This variant is expected to result in nonsense mediated decay, truncation, or a dysfunctional protein product. This variant is rare in the general population with a frequency below the threshold expected for the associated phenotype(s). Given the available evidence, this variant is classified as Likely Pathogenic.

Fulgent Genetics
Classification: Likely pathogenic for Galactosylceramide beta-galactosidase deficiency. Last evaluated: 2024-03-07. Review status: criteria provided, single submitter. Criteria: ACMG Guidelines, 2015. Collection method: clinical testing. Allele origin: germline.

Labcorp Genetics (formerly Invitae), Labcorp
Classification: Likely pathogenic for Galactosylceramide beta-galactosidase deficiency. Last evaluated: 2023-08-14. Review status: criteria provided, single submitter. Criteria: Invitae Variant Classification Sherloc (09022015). Collection method: clinical testing. Allele origin: germline.
Comment: This sequence change affects an acceptor splice site in intron 6 of the GALC gene. It is expected to disrupt RNA splicing. Variants that disrupt the donor or acceptor splice site typically lead to a loss of protein function (PMID: 16199547), and loss-of-function variants in GALC are known to be pathogenic (PMID: 7437911, 9272171, 16607461). This variant is not present in population databases (gnomAD no frequency). Disruption of this splice site has been observed in individual(s) with Krabbe disease (PMID: 30777126). ClinVar contains an entry for this variant (Variation ID: 1322977). Algorithms developed to predict the effect of sequence changes on RNA splicing suggest that this variant may disrupt the consensus splice site. In summary, the currently available evidence indicates that the variant is pathogenic, but additional data are needed to prove that conclusively. Therefore, this variant has been classified as Likely Pathogenic.

Revvity Omics, Revvity
Classification: Pathogenic. Last evaluated: 2020-09-04. Review status: criteria provided, single submitter. Criteria: ACMG Guidelines, 2015. Collection method: clinical testing. Allele origin: germline.

Literature cited by the submitters: PubMed 16199547 (cited by Labcorp Genetics (formerly Invitae), Labcorp); PubMed 7437911 (cited by Labcorp Genetics (formerly Invitae), Labcorp); PubMed 9272171 (cited by Labcorp Genetics (formerly Invitae), Labcorp); PubMed 16607461 (cited by Labcorp Genetics (formerly Invitae), Labcorp); PubMed 30777126 (cited by Labcorp Genetics (formerly Invitae), Labcorp).

NM_000153.4(GALC):c.622-1G>T

Gene: GALC (galactosylceramidase; minus strand). Cytogenetic location: 14q31.3.
Variant type: single nucleotide variant.
Coding change: c.622-1G>T on transcript NM_000153.4 (MANE Select); the canonical splice acceptor site of the intron before coding-DNA position 622, G replaced by T.
Molecular consequence: splice acceptor variant.
Genome position (GRCh38, 1-based): chr14:87,976,489, C>A on the plus strand (G>T on the coding strand, the complement: GALC is on the minus strand). VCF-style: chr14-87976489-C-A. GRCh37 (hg19) VCF-style: chr14-88442833-C-A.
Other names: c.544-1G>T (NM_001201402.2); c.553-1G>T (NM_001201401.2).
Identifiers: ClinVar variation 1322977 (VCV001322977.11), dbSNP rs1886499951, ClinGen allele CA390749842.